The following is an entry in ClinVar:

ClinVar aggregate classification (germline): Uncertain significance. Review status: criteria provided, multiple submitters, no conflicts (2 of 4 stars). 2 submissions from 2 submitters: Uncertain significance (2). Last evaluated 2024-11-13.

Conditions:
Inborn genetic diseases. Identifiers: MedGen C0950123, MeSH D030342.
Progressive sclerosing poliodystrophy (MTDPS4A). Also called: Alpers-Huttenlocher Syndrome; Mitochondrial DNA Depletion Syndrome 4A; ALPERS PROGRESSIVE INFANTILE POLIODYSTROPHY; NEURONAL DEGENERATION OF CHILDHOOD WITH LIVER DISEASE, PROGRESSIVE; Alpers-Huttenlocher Syndrome (AHS); Alpers Syndrome. Identifiers: Orphanet 726, MedGen C0205710, MONDO:0008758, OMIM 203700.

Allele frequency attached by ClinVar (database versions not stated): gnomAD exomes below 0.00001; TOPMed below 0.00001; ExAC 0.00001.
gnomAD v4.1: 1 of 1,614,138 alleles (0.000062%); highest among the groups gnomAD compares: Admixed American, 0.0017%; no homozygotes.

Submissions (2):

Labcorp Genetics (formerly Invitae), Labcorp
Classification: Uncertain significance for Progressive sclerosing poliodystrophy. Last evaluated: 2024-11-13. Review status: criteria provided, single submitter. Criteria: Invitae Variant Classification Sherloc (09022015). Collection method: clinical testing. Allele origin: germline.
Comment: This sequence change replaces tryptophan, which is neutral and slightly polar, with cysteine, which is neutral and slightly polar, at codon 815 of the POLG protein (p.Trp815Cys). This variant is present in population databases (rs770829807, gnomAD 0.003%). This variant has not been reported in the literature in individuals affected with POLG-related conditions. ClinVar contains an entry for this variant (Variation ID: 1791385). Invitae Evidence Modeling of protein sequence and biophysical properties (such as structural, functional, and spatial information, amino acid conservation, physicochemical variation, residue mobility, and thermodynamic stability) indicates that this missense variant is expected to disrupt POLG protein function with a positive predictive value of 95%. In summary, the available evidence is currently insufficient to determine the role of this variant in disease. Therefore, it has been classified as a Variant of Uncertain Significance.

Ambry Genetics
Classification: Uncertain significance for Inborn genetic diseases. Last evaluated: 2018-06-12. Review status: criteria provided, single submitter. Criteria: Ambry Variant Classification Scheme 2023. Collection method: clinical testing. Allele origin: germline.
Comment: The p.W815C variant (also known as c.2445G>C), located in coding exon 14 of the POLG gene, results from a G to C substitution at nucleotide position 2445. The tryptophan at codon 815 is replaced by cysteine, an amino acid with highly dissimilar properties. This amino acid position is highly conserved in available vertebrate species. In addition, this alteration is predicted to be deleterious by in silico analysis. Since supporting evidence is limited at this time, the clinical significance of this alteration remains unclear.

NM_002693.3(POLG):c.2445G>C (p.Trp815Cys)

Gene: POLG (DNA polymerase gamma, catalytic subunit; minus strand). Cytogenetic location: 15q26.1.
Variant type: single nucleotide variant.
Coding change: c.2445G>C on transcript NM_002693.3 (MANE Select); coding-DNA position 2445, G replaced by C.
Protein change: p.Trp815Cys; replaces tryptophan 815 with cysteine.
Molecular consequence: missense variant.
Genome position (GRCh38, 1-based): chr15:89,321,997, C>G on the plus strand (G>C on the coding strand, the complement: POLG is on the minus strand). VCF-style: chr15-89321997-C-G. GRCh37 (hg19) VCF-style: chr15-89865228-C-G.
Other names: c.2445G>C, p.Trp815Cys (NM_001126131.2); short protein forms W815C.
Identifiers: ClinVar variation 1791385 (VCV001791385.5), dbSNP rs770829807, ClinGen allele CA7724475.